The following is an entry in ClinVar:

ClinVar aggregate classification (germline): Likely benign (0 of 4 stars; one submission).

Conditions:
FUS-related disorder. Also called: FUS-related condition.

Allele frequency attached by ClinVar (database versions not stated): TOPMed 0.00001; gnomAD 0.00002; gnomAD exomes 0.00002.
gnomAD v4.1: 40 of 1,613,488 alleles (0.0025%); highest among the groups gnomAD compares: East Asian, 0.0089%; no homozygotes.

Submission:

PreventionGenetics, part of Exact Sciences
Classification: Likely benign for FUS-related condition. Last evaluated: 2023-02-17. Review status: no assertion criteria provided. Collection method: clinical testing. Allele origin: germline.
Comment: This variant is classified as likely benign based on ACMG/AMP sequence variant interpretation guidelines (Richards et al. 2015 PMID: 25741868, with internal and published modifications).

NM_004960.4(FUS):c.1441C>A (p.Arg481=)

Gene: FUS (FUS RNA binding protein; plus strand). Cytogenetic location: 16p11.2.
Variant type: single nucleotide variant.
Coding change: c.1441C>A on transcript NM_004960.4 (MANE Select); coding-DNA position 1441, C replaced by A.
Protein change: p.Arg481=; no amino-acid change (arginine 481 retained).
Molecular consequence: synonymous variant. On other transcripts: non-coding transcript variant (1).
Genome position (GRCh38, 1-based): chr16:31,191,010, C>A. VCF-style: chr16-31191010-C-A. GRCh37 (hg19) VCF-style: chr16-31202331-C-A.
Other names: c.1438C>A, p.Arg480= (NM_001170634.1); c.1429C>A, p.Arg477= (NM_001170937.1).
Identifiers: ClinVar variation 3053620 (VCV003053620.2), dbSNP rs1046637065, ClinGen allele CA280601568.